The following is an entry in ClinVar:

NC_000008.10:g.(?_30915954)_(31030628_?)dup

Genes: WRN (WRN RecQ like helicase; plus strand), LOC126860342 (MED14-independent group 3 enhancer GRCh37_chr8:31029565-31030764; plus strand). Cytogenetic location: 8p12.
Variant type: Duplication.
Identifiers: ClinVar variation 665630 (VCV000665630.1).

ClinVar aggregate classification (germline): Uncertain significance (1 of 4 stars; one submission).

Conditions:
Werner syndrome (WRN). Identifiers: Orphanet 902, MedGen C0043119, MONDO:0010196, OMIM 277700.

Submission:

Labcorp Genetics (formerly Invitae), Labcorp
Classification: Uncertain significance for Werner syndrome. Last evaluated: 2018-09-28. Review status: criteria provided, single submitter. Criteria: Invitae Variant Classification Sherloc (09022015). Collection method: clinical testing. Allele origin: germline.
Comment: A gross duplication of the genomic region encompassing the full coding sequence of the WRN gene has been identified. The boundaries of this event are unknown as the duplication extends beyond the assayed region for this gene and therefore may encompass additional genes. As the precise location of this duplication is unknown, it may be in tandem or it may be located elsewhere in the genome. Duplication of WRN has not been reported in the literature in individual affected with WRN-related disease. The effect of this variant on protein function has not been evaluated by experimental studies. In summary, the available evidence is currently insufficient to determine the role of this variant in disease. Therefore, it has been classified as a Variant of Uncertain Significance.